The following is an entry in ClinVar:

NM_004329.3(BMPR1A):c.186T>C (p.Tyr62=)

Gene: BMPR1A (bone morphogenetic protein receptor type 1A; plus strand). Cytogenetic location: 10q23.2.
Variant type: single nucleotide variant.
Coding change: c.186T>C on transcript NM_004329.3 (MANE Select); coding-DNA position 186, T replaced by C.
Protein change: p.Tyr62=; no amino-acid change (tyrosine 62 retained).
Molecular consequence: synonymous variant.
Genome position (GRCh38, 1-based): chr10:86,890,180, T>C. VCF-style: chr10-86890180-T-C. GRCh37 (hg19) VCF-style: chr10-88649937-T-C.
Identifiers: ClinVar variation 1101435 (VCV001101435.12), dbSNP rs2133396011, ClinGen allele CA470304568.

ClinVar aggregate classification (germline): Benign/Likely benign. Review status: criteria provided, multiple submitters, no conflicts (2 of 4 stars). 3 submissions from 3 submitters: Benign (1); Likely benign (2). Last evaluated 2024-07-31.

Conditions:
Juvenile polyposis syndrome (JPS). Identifiers: Orphanet 2929, MedGen C0345893, MONDO:0017380, OMIM 174900.
Hereditary cancer-predisposing syndrome. Also called: Neoplastic Syndromes, Hereditary; Hereditary neoplastic syndrome; Hereditary Cancer Syndrome; Tumor predisposition. Identifiers: Orphanet 140162, MedGen C0027672, MeSH D009386, MONDO:0015356.

Allele frequency attached by ClinVar (database versions not stated): gnomAD exomes below 0.00001.
gnomAD v4.1: 2 of 1,614,186 alleles (0.00012%); highest among the groups gnomAD compares: Non-Finnish European, 0.00017%; no homozygotes.

Submissions (3):

Myriad Genetics, Inc.
Classification: Benign for Juvenile polyposis syndrome. Last evaluated: 2024-07-31. Review status: criteria provided, single submitter. Criteria: Myriad Autosomal Dominant, Autosomal Recessive and X-Linked Classification Criteria (2023). Collection method: clinical testing. Allele origin: unknown.
Comment: This variant is considered benign. This variant is a silent/synonymous amino acid change and it is not expected to impact splicing.

Labcorp Genetics (formerly Invitae), Labcorp
Classification: Likely benign for Juvenile polyposis syndrome. Last evaluated: 2024-03-24. Review status: criteria provided, single submitter. Criteria: Invitae Variant Classification Sherloc (09022015). Collection method: clinical testing. Allele origin: germline.

Ambry Genetics
Classification: Likely benign for Hereditary cancer-predisposing syndrome. Last evaluated: 2021-05-21. Review status: criteria provided, single submitter. Criteria: Ambry Variant Classification Scheme 2023. Collection method: clinical testing. Allele origin: germline.